The following is an entry in ClinVar:

ClinVar aggregate classification (germline): Pathogenic (1 of 4 stars; one submission).

Conditions:
Familial cancer of breast. Also called: Hereditary breast cancer; BREAST CANCER, FAMILIAL; hereditary breast carcinoma. Identifiers: Orphanet 227535, MedGen C0346153, MONDO:0016419, OMIM 114480. Disease mechanism: loss of function.

Submission:

Myriad Genetics, Inc.
Classification: Pathogenic for Familial cancer of breast. Last evaluated: 2023-06-26. Review status: criteria provided, single submitter. Criteria: Myriad Autosomal Dominant, Autosomal Recessive and X-Linked Classification Criteria (2023). Collection method: clinical testing. Allele origin: unknown.
Comment: This variant is considered pathogenic. This variant creates a frameshift predicted to result in premature protein truncation.

NM_007194.4(CHEK2):c.516_519del (p.Glu173fs)

Gene: CHEK2 (checkpoint kinase 2; minus strand). Cytogenetic location: 22q12.1.
Variant type: Deletion.
Coding change: c.516_519del on transcript NM_007194.4 (MANE Select); coding-DNA positions 516 to 519, 4 bases deleted (AGAG; older notation c.516_519delAGAG).
Protein change: p.Glu173fs; shifts the reading frame from glutamic acid 173.
Molecular consequence: frameshift variant. On other transcripts: 5 prime UTR variant (2), intron variant (1).
Genome position (GRCh38, 1-based): chr22:28,725,050-28,725,053, CTCT deleted on the plus strand (AGAG on the coding strand, the reverse complement: CHEK2 is on the minus strand). VCF-style (leftmost placement, unchanged base first): chr22-28725049-GCTCT-G. GRCh37 (hg19) VCF-style: chr22-29121037-GCTCT-G.
Other names: c.645_648del, p.Glu216fs (NM_001005735.3, NM_001438294.1); c.-262_-259del (NM_001257387.3); c.-148_-145del (NM_001437942.1); c.609_612del, p.Glu204fs (NM_001438293.1, NM_001438295.1); c.516_519del, p.Glu173fs (NM_145862.3); c.445-130_445-127del (NM_001349956.3); short protein forms E173fs, E216fs, E204fs.
Identifiers: ClinVar variation 2583466 (VCV002583466.2), dbSNP rs2518052512, ClinGen allele CA2582342787.